The following is an entry in ClinVar:

NM_017763.6(RNF43):c.1852G>A (p.Ala618Thr)

Gene: RNF43 (ring finger protein 43; minus strand). Cytogenetic location: 17q22.
Variant type: single nucleotide variant.
Coding change: c.1852G>A on transcript NM_017763.6 (MANE Select); coding-DNA position 1852, G replaced by A.
Protein change: p.Ala618Thr; replaces alanine 618 with threonine.
Molecular consequence: missense variant.
Genome position (GRCh38, 1-based): chr17:58,357,924, C>T on the plus strand (G>A on the coding strand, the complement: RNF43 is on the minus strand). VCF-style: chr17-58357924-C-T. GRCh37 (hg19) VCF-style: chr17-56435285-C-T.
Other names: c.1852G>A, p.Ala618Thr (NM_001305544.3); c.1471G>A, p.Ala491Thr (NM_001305545.2); short protein forms A491T, A618T.
Identifiers: ClinVar variation 3011186 (VCV003011186.4), dbSNP rs2143397959, ClinGen allele CA400387204.
Genomic context (GRCh38, chr17:58,357,924, plus strand): 5'-TGCTGGTACTGGGGCAGATGCTGGAGGCGTCAACTGGGCCAGGGGCTGGCTCAGGGAGGG[C>T]CCTGGGGCACTGTGGGTTAGAGAGCCGCCCCGAAGGGGCTGCTGAGTTGGATCTGGTGAC-3'
Protein context (NP_060233.3, residues 608-628): GRLSNPQCPR[Ala618Thr]LPEPAPGPVD

ClinVar aggregate classification (germline): Uncertain significance. Review status: criteria provided, multiple submitters, no conflicts (2 of 4 stars). 2 submissions from 2 submitters: Uncertain significance (2). Last evaluated 2024-12-06.

Submissions (2):

Ambry Genetics
Classification: Uncertain significance. Last evaluated: 2024-12-06. Review status: criteria provided, single submitter. Criteria: Ambry Variant Classification Scheme 2023. Collection method: clinical testing. Allele origin: germline.
Comment: The p.A618T variant (also known as c.1852G>A), located in coding exon 8 of the RNF43 gene, results from a G to A substitution at nucleotide position 1852. The alanine at codon 618 is replaced by threonine, an amino acid with similar properties. This amino acid position is conserved. In addition, this alteration is predicted to be tolerated by in silico analysis. Based on the available evidence, the clinical significance of this variant remains unclear.

Labcorp Genetics (formerly Invitae), Labcorp
Classification: Uncertain significance. Last evaluated: 2024-01-04. Review status: criteria provided, single submitter. Criteria: Invitae Variant Classification Sherloc (09022015). Collection method: clinical testing. Allele origin: germline.
Comment: This sequence change replaces alanine, which is neutral and non-polar, with threonine, which is neutral and polar, at codon 618 of the RNF43 protein (p.Ala618Thr). This variant is not present in population databases (gnomAD no frequency). This variant has not been reported in the literature in individuals affected with RNF43-related conditions. Algorithms developed to predict the effect of missense changes on protein structure and function output the following: SIFT: "Not Available"; PolyPhen-2: "Benign"; Align-GVGD: "Not Available". The threonine amino acid residue is found in multiple mammalian species, which suggests that this missense change does not adversely affect protein function. In summary, the available evidence is currently insufficient to determine the role of this variant in disease. Therefore, it has been classified as a Variant of Uncertain Significance.